The following is an entry in ClinVar:

NM_022367.4(SEMA4A):c.*334C>T

Gene: SEMA4A (semaphorin 4A; plus strand). Cytogenetic location: 1q22.
Variant type: single nucleotide variant.
Coding change: c.*334C>T on transcript NM_022367.4 (MANE Select); 334 bases downstream of the stop codon, C replaced by T.
Molecular consequence: 3 prime UTR variant.
Genome position (GRCh38, 1-based): chr1:156,177,331, C>T. VCF-style: chr1-156177331-C-T. GRCh37 (hg19) VCF-style: chr1-156147122-C-T.
Other names: c.*334C>T (NM_001193300.2, NM_001193301.2, NM_001193302.2 and 4 more transcripts).
Identifiers: ClinVar variation 876549 (VCV000876549.4), dbSNP rs148852472, ClinGen allele CA15090186.

ClinVar aggregate classification (germline): Conflicting classifications of pathogenicity. Review status: criteria provided, conflicting classifications (1 of 4 stars). 2 submissions from 1 submitter: Uncertain significance (1); Benign (1). Last evaluated 2017-04-27.

Conditions:
Retinitis pigmentosa (RP). Identifiers: Orphanet 791, MedGen C0035334, MeSH D012174, MONDO:0019200, OMIM 268000. Inheritance: Autosomal dominant, autosomal recessive and X linked inheritance.
Cone-rod dystrophy 10 (CORD10). Identifiers: Orphanet 1872, MedGen C1846529, MONDO:0012464, OMIM 610283.

Allele frequency attached by ClinVar (database versions not stated): gnomAD exomes 0.00112; 1000 Genomes Project 30x 0.00703; 1000 Genomes Project 0.00719; TOPMed 0.00977.
gnomAD v4.1: 1,598 of 420,846 alleles (0.38%); highest among the groups gnomAD compares: African/African-American, 3%; 21 homozygotes.

Submissions (2):

Illumina Laboratory Services, Illumina
Classification: Benign for Cone-rod dystrophy 10. Last evaluated: 2017-04-27. Review status: criteria provided, single submitter. Criteria: ICSL Variant Classification Criteria 13 December 2019. Collection method: clinical testing. Allele origin: germline.
Comment: This variant was observed as part of a predisposition screen in an ostensibly healthy population. A literature search was performed for the gene, cDNA change, and amino acid change (where applicable). No publications were found based on this search. Allele frequency data from public databases was too high to be consistent with this variant causing disease. Therefore, this variant is classified as benign.

Illumina Laboratory Services, Illumina
Classification: Uncertain significance for Retinitis pigmentosa. Last evaluated: 2017-04-27. Review status: criteria provided, single submitter. Criteria: ICSL Variant Classification Criteria 13 December 2019. Collection method: clinical testing. Allele origin: germline.